The following is an entry in ClinVar:

ClinVar aggregate classification (germline): Uncertain significance (1 of 4 stars; one submission).

Submission:

Labcorp Genetics (formerly Invitae), Labcorp
Classification: Uncertain significance. Last evaluated: 2023-08-03. Review status: criteria provided, single submitter. Criteria: Invitae Variant Classification Sherloc (09022015). Collection method: clinical testing. Allele origin: germline.
Comment: In summary, the available evidence is currently insufficient to determine the role of this variant in disease. Therefore, it has been classified as a Variant of Uncertain Significance. Algorithms developed to predict the effect of sequence changes on RNA splicing suggest that this variant may disrupt the consensus splice site. This variant has not been reported in the literature in individuals affected with MICAL1-related conditions. This variant is present in population databases (no rsID available, gnomAD 0.002%). This sequence change affects a splice site in intron 12 of the MICAL1 gene. It is expected to disrupt RNA splicing. Variants that disrupt the donor or acceptor splice site typically lead to a loss of protein function (PMID: 16199547), however the current clinical and genetic evidence is not sufficient to establish whether loss-of-function variants in MICAL1 cause disease.

Literature cited by the submitters: PubMed 16199547.

NM_022765.4(MICAL1):c.1664+2_1664+3del

Gene: MICAL1 (microtubule associated monooxygenase, calponin and LIM domain containing 1; minus strand). Cytogenetic location: 6q21.
Variant type: Microsatellite.
Coding change: c.1664+2_1664+3del on transcript NM_022765.4 (MANE Select); the canonical splice donor site of the intron after coding-DNA position 1664 through 3 bases into the intron after coding-DNA position 1664, 2 bases deleted (TG; older notation c.1664+2_1664+3delTG).
Molecular consequence: splice donor variant.
Genome position (GRCh38, 1-based): chr6:109,448,729-109,448,730, CA deleted on the plus strand (TG on the coding strand, the reverse complement: MICAL1 is on the minus strand); deleting any 2 consecutive bases within chr6:109,448,729-109,448,732 gives the same sequence; the c. name uses the placement nearest the transcript's 3' end. VCF-style (leftmost placement, unchanged base first): chr6-109448728-TCA-T. GRCh37 (hg19) VCF-style: chr6-109769931-TCA-T.
Other names: c.1721+2_1721+3del (NM_001286613.2); c.1406+2_1406+3del (NM_001159291.2).
Identifiers: ClinVar variation 1955240 (VCV001955240.5), dbSNP rs1274908853, ClinGen allele CA569571212.
Genomic context (GRCh38, chr6:109,448,728, plus strand): 5'-CAACTGGATATGCTAACTCCTACACTGAGATCATGAGAGAGAGGTGGGTCTGCCAGGGAC[TCA>T]CAGCAGGCCAGGCTGCAGCCGGTACACCAGGGCACACAGAGCTAGCCCATCAGCCCAGGA-3'